The following is an entry in ClinVar:

ClinVar aggregate classification (germline): Uncertain significance (1 of 4 stars; one submission).

Conditions:
Cardiovascular phenotype. Identifiers: MedGen CN230736.

Submission:

Ambry Genetics
Classification: Uncertain significance for Cardiovascular phenotype. Last evaluated: 2023-03-08. Review status: criteria provided, single submitter. Criteria: Ambry Variant Classification Scheme 2023. Collection method: clinical testing. Allele origin: germline.
Comment: The c.2446_2514dup69 variant (also known as p.G816_D838dup), located in coding exon 6 of the ALPK3 gene, results from an in-frame duplication of 69 nucleotides at nucleotide positions 2446 to 2514. This results in the duplication of 23 extra residues (GKIQVDGRTRGDGTQTAQRTRAD) between codons 816 and 838. The amino acid positions range from not well conserved to poorly available vertebrate species. Since supporting evidence is limited at this time, the clinical significance of this alteration remains unclear.

NM_020778.5(ALPK3):c.1840_1908dup (p.Asp636_Arg637insGlyLysIleGlnValAspGlyArgThrArgGlyAspGlyThrGlnThrAlaGlnArgThrArgAlaAsp)

Gene: ALPK3 (alpha kinase 3; plus strand). Cytogenetic location: 15q25.3.
Variant type: Duplication.
Coding change: c.1840_1908dup on transcript NM_020778.5 (MANE Select); coding-DNA positions 1840 to 1908, 69 bases duplicated.
Protein change: p.Asp636_Arg637insGlyLysIleGlnValAspGlyArgThrArgGlyAspGlyThrGlnThrAlaGlnArgThrArgAlaAsp.
Molecular consequence: inframe insertion.
Genome position (GRCh38, 1-based): chr15:84,856,578-84,856,646, 69 bases duplicated. GRCh37 (hg19): chr15:85,399,809-85,399,877.
Identifiers: ClinVar variation 2449116 (VCV002449116.2), dbSNP rs2505719058, ClinGen allele CA2580090102.